The following is an entry in ClinVar:

NM_000535.7(PMS2):c.804-22T>C

Gene: PMS2 (PMS1 homolog 2, mismatch repair system component; minus strand). Cytogenetic location: 7p22.1.
Variant type: single nucleotide variant.
Coding change: c.804-22T>C on transcript NM_000535.7 (MANE Select); 22 bases into the intron before coding-DNA position 804, T replaced by C.
Molecular consequence: intron variant.
Genome position (GRCh38, 1-based): chr7:5,995,655, A>G on the plus strand (T>C on the coding strand, the complement: PMS2 is on the minus strand). VCF-style: chr7-5995655-A-G. GRCh37 (hg19) VCF-style: chr7-6035286-A-G.
Other names: c.486-22T>C (NM_001322008.2, NM_001406902.1, NM_001406883.1 and 4 more transcripts); c.495-22T>C (NM_001406881.1, NM_001406879.1, NM_001322015.2 and 6 more transcripts); c.399-22T>C (NM_001406895.1, NM_001322010.2, NM_001322004.2 and 19 more transcripts); c.133-3598T>C (NM_001406911.1); c.291-22T>C (NM_001406904.1, NM_001406905.1); c.231-22T>C (NM_001322013.2, NM_001406909.1); c.-130-22T>C (NM_001322012.2, NM_001322011.2); c.468-22T>C (NM_001406885.1); and 8 more.
Identifiers: ClinVar variation 3903781 (VCV003903781.1).

ClinVar aggregate classification (germline): Benign (1 of 4 stars; one submission).

Conditions:
Lynch syndrome 4 (LYNCH4). Also called: Colorectal cancer, hereditary nonpolyposis, type 4; Hereditary non-polyposis colorectal cancer, type 4. Identifiers: Orphanet 144, MedGen C1838333, MONDO:0013699, OMIM 614337. Disease mechanism: loss of function.

Submission:

Myriad Genetics, Inc.
Classification: Benign for Lynch syndrome 4. Last evaluated: 2025-01-28. Review status: criteria provided, single submitter. Criteria: Myriad Autosomal Dominant, Autosomal Recessive and X-Linked Classification Criteria (2023). Collection method: clinical testing. Allele origin: unknown.
Comment: This variant is considered benign. This variant is intronic and is not expected to impact mRNA splicing.